The following is an entry in ClinVar:

NM_152703.5(SAMD9L):c.362A>G (p.Tyr121Cys)

Gene: SAMD9L (sterile alpha motif domain containing 9 like; minus strand). Cytogenetic location: 7q21.2.
Variant type: single nucleotide variant.
Coding change: c.362A>G on transcript NM_152703.5 (MANE Select); coding-DNA position 362, A replaced by G.
Protein change: p.Tyr121Cys; replaces tyrosine 121 with cysteine.
Molecular consequence: missense variant.
Genome position (GRCh38, 1-based): chr7:93,135,610, T>C on the plus strand (A>G on the coding strand, the complement: SAMD9L is on the minus strand). VCF-style: chr7-93135610-T-C. GRCh37 (hg19) VCF-style: chr7-92764923-T-C.
Other names: c.362A>G, p.Tyr121Cys (NM_001303496.3, NM_001303497.3, NM_001303498.3 and 5 more transcripts); short protein forms Y121C.
Identifiers: ClinVar variation 4159467 (VCV004159467.1).
Genomic context (GRCh38, chr7:93,135,610, plus strand): 5'-ACATTTTCTTTCATAAGAATTGATTCTTCTTGTTTGATATCTCTGATCTCTCTGGGATCA[T>C]AATCAATATTAGATGACATTGAATTTTCTTCTTCCTTTTTGGTGTGTTTTGGATTTTTCT-3'
Protein context (NP_689916.2, residues 111-131): EENSMSSNID[Tyr121Cys]DPREIRDIKQ

ClinVar aggregate classification (germline): Uncertain significance (1 of 4 stars; one submission).

Conditions:
Inborn genetic diseases. Identifiers: MedGen C0950123, MeSH D030342.

gnomAD v4.1: 25 of 1,613,900 alleles (0.0015%); highest among the groups gnomAD compares: Non-Finnish European, 0.0021%; no homozygotes.

Submission:

Ambry Genetics
Classification: Uncertain significance for Inborn genetic diseases. Last evaluated: 2025-09-10. Review status: criteria provided, single submitter. Criteria: Ambry Variant Classification Scheme 2023. Collection method: clinical testing. Allele origin: germline.
Comment: The p.Y121C variant (also known as c.362A>G), located in coding exon 1 of the SAMD9L gene, results from an A to G substitution at nucleotide position 362. The tyrosine at codon 121 is replaced by cysteine, an amino acid with highly dissimilar properties. This amino acid position is conserved. In addition, this alteration is predicted to be tolerated by in silico analysis. Based on the available evidence, the clinical significance of this variant remains unclear.